The following is an entry in ClinVar:

NM_000158.4(GBE1):c.1336-11C>A

Gene: GBE1 (1,4-alpha-glucan branching enzyme 1; minus strand). Cytogenetic location: 3p12.2.
Variant type: single nucleotide variant.
Coding change: c.1336-11C>A on transcript NM_000158.4 (MANE Select); 11 bases into the intron before coding-DNA position 1336, C replaced by A.
Molecular consequence: intron variant.
Genome position (GRCh38, 1-based): chr3:81,581,286, G>T on the plus strand (C>A on the coding strand, the complement: GBE1 is on the minus strand). VCF-style: chr3-81581286-G-T. GRCh37 (hg19) VCF-style: chr3-81630437-G-T.
Other names: c.1336-11C>A (NM_000158.3).
Identifiers: ClinVar variation 2928883 (VCV002928883.5), dbSNP rs995079486, ClinGen allele CA78285160.
Genomic context (GRCh38, chr3:81,581,286, plus strand): 5'-TATACTATATCGCCCATGTTCCAGTCTTCATCTTTAAACTCTTTAAGTAGCTAGACACAA[G>T]AGAGAAAAATAAGCTTCTGAGTAAAGCATTATTTTTCTTATTTTTAAATCACAATCTGAA-3'

ClinVar aggregate classification (germline): Likely benign. Review status: criteria provided, single submitter (1 of 4 stars). 2 submissions from 2 submitters: Likely benign (1). 1 of the submissions does not count toward it. Last evaluated 2026-01-09.

Conditions:
Glycogen storage disease, type IV (GSD4). Also called: Glycogen storage disease due to glycogen branching enzyme deficiency; AMYLOPECTINOSIS; ANDERSEN DISEASE; BRANCHER DEFICIENCY; CIRRHOSIS, FAMILIAL, WITH DEPOSITION OF ABNORMAL GLYCOGEN; GBE1 DEFICIENCY. Identifiers: Orphanet 367, MedGen C0017923, MONDO:0009292, OMIM 232500.
Glycogen storage disease IV, classic hepatic. Also called: GSD IV, CLASSIC HEPATIC. Identifiers: MedGen C1856301.
GBE1-related disorder. Also called: GBE1-related condition; GBE1-related disorders. Identifiers: MedGen CN239402.

Allele frequency attached by ClinVar (database versions not stated): TOPMed 0.00001.

Submissions (2):

Labcorp Genetics (formerly Invitae), Labcorp
Classification: Likely benign for Glycogen storage disease, type IV; Glycogen storage disease IV, classic hepatic. Last evaluated: 2026-01-09. Review status: criteria provided, single submitter. Criteria: Invitae Variant Classification Sherloc (09022015). Collection method: clinical testing. Allele origin: germline.

PreventionGenetics, part of Exact Sciences
Classification: Likely benign for GBE1-related condition. Last evaluated: 2021-10-18. Review status: no assertion criteria provided. Collection method: clinical testing. Allele origin: germline. Not counted in ClinVar's aggregate classification.
Comment: This variant is classified as likely benign based on ACMG/AMP sequence variant interpretation guidelines (Richards et al. 2015 PMID: 25741868, with internal and published modifications).